The following is an entry in ClinVar:

ClinVar aggregate classification (germline): Uncertain significance. Review status: criteria provided, multiple submitters, no conflicts (2 of 4 stars). 2 submissions from 2 submitters: Uncertain significance (2). Last evaluated 2023-12-10.

Conditions:
Hereditary cancer-predisposing syndrome. Also called: Hereditary neoplastic syndrome; Neoplastic Syndromes, Hereditary; Hereditary Cancer Syndrome; Tumor predisposition. Identifiers: Orphanet 140162, MedGen C0027672, MeSH D009386, MONDO:0015356.
Pheochromocytoma. Also called: MAX-Related Hereditary Paraganglioma-Pheochromocytoma Syndrome. Identifiers: Orphanet 29072, MedGen C0031511, MONDO:0008233, OMIM 171300, HP:0002666.
Gastrointestinal stromal tumor. Also called: Gastrointestinal stromal tumor, somatic; Gastrointestinal stroma tumor. Identifiers: Orphanet 44890, MedGen C0238198, MeSH D046152, MONDO:0011719, OMIM 606764, HP:0100723.
Pheochromocytoma/paraganglioma syndrome 4. Also called: SDHB-Related Hereditary Paraganglioma-Pheochromocytoma Syndrome; PARAGANGLIOMA, FAMILIAL MALIGNANT; PARAGANGLIOMAS, HEREDITARY EXTRAADRENAL; PHEOCHROMOCYTOMA, FAMILIAL EXTRAADRENAL; Paragangliomas 4; CAROTID BODY TUMORS AND MULTIPLE EXTRAADRENAL PHEOCHROMOCYTOMAS. Identifiers: Orphanet 29072, MedGen C1861848, MONDO:0007273, OMIM 115310.

Submissions (2):

Ambry Genetics
Classification: Uncertain significance for Hereditary cancer-predisposing syndrome. Last evaluated: 2023-12-10. Review status: criteria provided, single submitter. Criteria: Ambry Variant Classification Scheme 2023. Collection method: clinical testing. Allele origin: germline.
Comment: The p.A112G variant (also known as c.335C>G), located in coding exon 4 of the SDHB gene, results from a C to G substitution at nucleotide position 335. The alanine at codon 112 is replaced by glycine, an amino acid with similar properties. This amino acid position is conserved. In addition, this alteration is predicted to be deleterious by in silico analysis. Since supporting evidence is limited at this time, the clinical significance of this alteration remains unclear.

Labcorp Genetics (formerly Invitae), Labcorp
Classification: Uncertain significance for Gastrointestinal stromal tumor; Pheochromocytoma/paraganglioma syndrome 4; Pheochromocytoma. Last evaluated: 2017-08-10. Review status: criteria provided, single submitter. Criteria: Invitae Variant Classification Sherloc (09022015). Collection method: clinical testing. Allele origin: germline.
Comment: In summary, the available evidence is currently insufficient to determine the role of this variant in disease. Therefore, it has been classified as a Variant of Uncertain Significance. Algorithms developed to predict the effect of missense changes on protein structure and function (SIFT, PolyPhen-2, Align-GVGD) all suggest that this variant is likely to be disruptive, but these predictions have not been confirmed by published functional studies and their clinical significance is uncertain. This variant has not been reported in the literature in individuals with SDHB-related disease. This variant is not present in population databases (ExAC no frequency). This sequence change replaces alanine with glycine at codon 112 of the SDHB protein (p.Ala112Gly). The alanine residue is highly conserved and there is a small physicochemical difference between alanine and glycine.

NM_003000.3(SDHB):c.335C>G (p.Ala112Gly)

Gene: SDHB (succinate dehydrogenase complex iron sulfur subunit B; minus strand). Cytogenetic location: 1p36.13.
Variant type: single nucleotide variant.
Coding change: c.335C>G on transcript NM_003000.3 (MANE Select); coding-DNA position 335, C replaced by G.
Protein change: p.Ala112Gly; replaces alanine 112 with glycine.
Molecular consequence: missense variant.
Genome position (GRCh38, 1-based): chr1:17,028,688, G>C on the plus strand (C>G on the coding strand, the complement: SDHB is on the minus strand). VCF-style: chr1-17028688-G-C. GRCh37 (hg19) VCF-style: chr1-17355183-G-C.
Other names: short protein forms A112G.
Identifiers: ClinVar variation 528739 (VCV000528739.7), dbSNP rs1553177762, ClinGen allele CA338274795.
Genomic context (GRCh38, chr1:17,028,688, plus strand): 5'-TGTGGAAGAGGGTAGATTTTTGAGACCTTATTGAGGTTGGTGTCAATCCTTCGGGTGCAA[G>C]CTAGAGTGTTGCCTCCATTGATGTTCATTGCACAAGAGCCACAGATGCCTGAAAGAGACA-3'
Protein context (NP_002991.2, residues 102-122): AMNINGGNTL[Ala112Gly]CTRRIDTNLN